The following is an entry in ClinVar:

NM_201384.3(PLEC):c.3208A>G (p.Thr1070Ala)

Gene: PLEC (plectin; minus strand). Cytogenetic location: 8q24.3.
Variant type: single nucleotide variant.
Coding change: c.3208A>G on transcript NM_201384.3 (MANE Select); coding-DNA position 3208, A replaced by G.
Protein change: p.Thr1070Ala; replaces threonine 1070 with alanine.
Molecular consequence: missense variant.
Genome position (GRCh38, 1-based): chr8:143,929,155, T>C on the plus strand (A>G on the coding strand, the complement: PLEC is on the minus strand). VCF-style: chr8-143929155-T-C. GRCh37 (hg19) VCF-style: chr8-145003323-T-C.
Other names: p.Thr1097Ala; c.3289A>G, p.Thr1097Ala (NM_000445.5); c.3166A>G, p.Thr1056Ala (NM_201378.4); c.3142A>G, p.Thr1048Ala (NM_201379.3); c.3619A>G, p.Thr1207Ala (NM_201380.4); c.3112A>G, p.Thr1038Ala (NM_201381.3); c.3208A>G, p.Thr1070Ala (NM_201382.4); c.3220A>G, p.Thr1074Ala (NM_201383.3); short protein forms T1074A, T1038A, T1048A, T1056A, T1207A, T1070A, T1097A.
Identifiers: ClinVar variation 281112 (VCV000281112.15), dbSNP rs185859960, ClinGen allele CA4927171.

ClinVar aggregate classification (germline): Conflicting classifications of pathogenicity. Review status: criteria provided, conflicting classifications (1 of 4 stars). 7 submissions from 7 submitters: Uncertain significance (5); Likely benign (2). Last evaluated 2026-04-09.

Conditions:
Autosomal recessive limb-girdle muscular dystrophy type 2Q (LGMDR17). Also called: MUSCULAR DYSTROPHY, LIMB-GIRDLE, AUTOSOMAL RECESSIVE 17. Identifiers: Orphanet 254361, MedGen C3150989, MONDO:0013390, OMIM 613723.
Epidermolysis bullosa simplex 5B, with muscular dystrophy (EBS5B). Also called: EPIDERMOLYSIS BULLOSA SIMPLEX AND LIMB-GIRDLE MUSCULAR DYSTROPHY; Epidermolysis bullosa simplex with muscular dystrophy. Identifiers: Orphanet 257, MedGen C2931072, MONDO:0009181, OMIM 226670.
Epidermolysis bullosa simplex with nail dystrophy (EBS5D). Identifiers: MedGen C4225309, MONDO:0014661, OMIM 616487.
Epidermolysis bullosa simplex 5C, with pyloric atresia (EBS5C). Also called: PLEC-Related Epidermolysis Bullosa with Pyloric Atresia; PLEC1-Related Epidermolysis Bullosa with Pyloric Atresia; Epidermolysis bullosa simplex with pyloric atresia. Identifiers: Orphanet 158684, MedGen C2677349, MONDO:0012807, OMIM 612138.
Epidermolysis bullosa simplex, Ogna type (EBS5A). Also called: Pidermolysis bullosa simplex 5A, Ogna type; EPIDERMOLYSIS BULLOSA SIMPLEX 5A, OGNA TYPE. Identifiers: Orphanet 79401, MedGen C0432317, MONDO:0007555, OMIM 131950.
Inborn genetic diseases. Identifiers: MedGen C0950123, MeSH D030342.

Allele frequency attached by ClinVar (database versions not stated): gnomAD exomes 0.00003 and 0.00007; ESP Exome Variant Server 0.00024; ExAC 0.00027; TOPMed 0.00037; gnomAD 0.00038; 1000 Genomes Project 30x 0.00047; 1000 Genomes Project 0.00060.
gnomAD v4.1: 104 of 1,593,136 alleles (0.0065%); highest among the groups gnomAD compares: African/African-American, 0.12%; no homozygotes.

Submissions (7):

Greenwood Genetic Center Diagnostic Laboratories, Greenwood Genetic Center
Classification: Uncertain significance. Last evaluated: 2026-04-09. Review status: criteria provided, single submitter. Criteria: ACMG Guidelines, 2015. Collection method: clinical testing. Allele origin: germline.
Comment: BP4

Labcorp Genetics (formerly Invitae), Labcorp
Classification: Uncertain significance for Autosomal recessive limb-girdle muscular dystrophy type 2Q; Epidermolysis bullosa simplex, Ogna type; Epidermolysis bullosa simplex with nail dystrophy; Epidermolysis bullosa simplex 5C, with pyloric atresia; Epidermolysis bullosa simplex 5B, with muscular dystrophy. Last evaluated: 2025-09-13. Review status: criteria provided, single submitter. Criteria: Invitae Variant Classification Sherloc (09022015). Collection method: clinical testing. Allele origin: germline.
Comment: This sequence change replaces threonine, which is neutral and polar, with alanine, which is neutral and non-polar, at codon 1097 of the PLEC protein (p.Thr1097Ala). This variant is present in population databases (rs185859960, gnomAD 0.1%). This variant has not been reported in the literature in individuals affected with PLEC-related conditions. ClinVar contains an entry for this variant (Variation ID: 281112). Invitae Evidence Modeling of protein sequence and biophysical properties (such as structural, functional, and spatial information, amino acid conservation, physicochemical variation, residue mobility, and thermodynamic stability) indicates that this missense variant is not expected to disrupt PLEC protein function with a negative predictive value of 80%. In summary, the available evidence is currently insufficient to determine the role of this variant in disease. Therefore, it has been classified as a Variant of Uncertain Significance.

Mayo Clinic Laboratories, Mayo Clinic
Classification: Likely benign. Last evaluated: 2025-03-26. Review status: criteria provided, single submitter. Criteria: ACMG Guidelines, 2015. Collection method: clinical testing. Allele origin: germline. Observed: 1 variant allele.
Comment: BS1, BP4

Blueprint Genetics
Classification: Likely benign. Last evaluated: 2024-11-21. Review status: criteria provided, single submitter. Criteria: ACMG Guidelines, 2015. Collection method: clinical testing. Allele origin: germline.

Athena Diagnostics
Classification: Uncertain significance. Last evaluated: 2024-08-01. Review status: criteria provided, single submitter. Criteria: Athena Diagnostics Criteria. Collection method: clinical testing. Allele origin: unknown.

Ambry Genetics
Classification: Uncertain significance for Inborn genetic diseases. Last evaluated: 2024-06-03. Review status: criteria provided, single submitter. Criteria: Ambry Variant Classification Scheme 2023. Collection method: clinical testing. Allele origin: germline.

Eurofins Ntd Llc (ga)
Classification: Uncertain significance. Last evaluated: 2015-08-18. Review status: criteria provided, single submitter. Criteria: EGL Classification Definitions 2015. Collection method: clinical testing. Allele origin: germline. Observed: 1 variant allele, 1 heterozygote.